The following is an entry in ClinVar:

ClinVar aggregate classification (germline): Uncertain significance. Review status: criteria provided, multiple submitters, no conflicts (2 of 4 stars). 2 submissions from 2 submitters: Uncertain significance (2). Last evaluated 2025-02-14.

gnomAD v4.1: 1 of 1,607,602 alleles (0.000062%); highest among the groups gnomAD compares: Non-Finnish European, 0.000085%; no homozygotes.

Submissions (2):

GeneDx
Classification: Uncertain significance. Last evaluated: 2025-02-14. Review status: criteria provided, single submitter. Criteria: GeneDx Variant Classification Process June 2021. Collection method: clinical testing. Allele origin: germline. Affected: yes.
Comment: Not observed at significant frequency in large population cohorts (gnomAD); In silico analysis is inconclusive as to whether the variant alters gene splicing. In the absence of RNA/functional studies, the actual effect of this sequence change is unknown.; Has not been previously published as pathogenic or benign to our knowledge

Labcorp Genetics (formerly Invitae), Labcorp
Classification: Uncertain significance. Last evaluated: 2024-09-21. Review status: criteria provided, single submitter. Criteria: Invitae Variant Classification Sherloc (09022015). Collection method: clinical testing. Allele origin: germline.
Comment: This sequence change falls in intron 1 of the ACO2 gene. It does not directly change the encoded amino acid sequence of the ACO2 protein. It affects a nucleotide within the consensus splice site. This variant is present in population databases (rs774956067, gnomAD 0.0009%). This variant has not been reported in the literature in individuals affected with ACO2-related conditions. Variants that disrupt the consensus splice site are a relatively common cause of aberrant splicing (PMID: 17576681, 9536098). Algorithms developed to predict the effect of sequence changes on RNA splicing suggest that this variant may disrupt the consensus splice site. In summary, the available evidence is currently insufficient to determine the role of this variant in disease. Therefore, it has been classified as a Variant of Uncertain Significance.

Literature cited by the submitters: PubMed 17576681 (cited by Labcorp Genetics (formerly Invitae), Labcorp); PubMed 9536098 (cited by Labcorp Genetics (formerly Invitae), Labcorp).

NM_001098.3(ACO2):c.36+5G>A

Gene: ACO2 (aconitase 2; plus strand). Cytogenetic location: 22q13.2.
Variant type: single nucleotide variant.
Coding change: c.36+5G>A on transcript NM_001098.3 (MANE Select); 5 bases into the intron after coding-DNA position 36, G replaced by A.
Molecular consequence: intron variant.
Genome position (GRCh38, 1-based): chr22:41,469,187, G>A. VCF-style: chr22-41469187-G-A. GRCh37 (hg19) VCF-style: chr22-41865191-G-A.
Identifiers: ClinVar variation 3717056 (VCV003717056.3).